The following is an entry in ClinVar:

ClinVar aggregate classification (germline): Uncertain significance (1 of 4 stars; one submission).

Conditions:
RASopathy. Also called: rasopathies; Noonan spectrum disorder. Identifiers: Orphanet 536391, MedGen C5555857, MONDO:0021060.

Submission:

Labcorp Genetics (formerly Invitae), Labcorp
Classification: Uncertain significance for RASopathy. Last evaluated: 2022-04-12. Review status: criteria provided, single submitter. Criteria: Invitae Variant Classification Sherloc (09022015). Collection method: clinical testing. Allele origin: germline.
Comment: This sequence change replaces isoleucine, which is neutral and non-polar, with valine, which is neutral and non-polar, at codon 377 of the SOS1 protein (p.Ile377Val). This variant is not present in population databases (gnomAD no frequency). This variant has not been reported in the literature in individuals affected with SOS1-related conditions. Algorithms developed to predict the effect of missense changes on protein structure and function (SIFT, PolyPhen-2, Align-GVGD) all suggest that this variant is likely to be tolerated. In summary, the available evidence is currently insufficient to determine the role of this variant in disease. Therefore, it has been classified as a Variant of Uncertain Significance.

NM_005633.4(SOS1):c.1129A>G (p.Ile377Val)

Gene: SOS1 (SOS Ras/Rac guanine nucleotide exchange factor 1; minus strand). Cytogenetic location: 2p22.1.
Variant type: single nucleotide variant.
Coding change: c.1129A>G on transcript NM_005633.4 (MANE Select); coding-DNA position 1129, A replaced by G.
Protein change: p.Ile377Val; replaces isoleucine 377 with valine.
Molecular consequence: missense variant.
Genome position (GRCh38, 1-based): chr2:39,024,083, T>C on the plus strand (A>G on the coding strand, the complement: SOS1 is on the minus strand). VCF-style: chr2-39024083-T-C. GRCh37 (hg19) VCF-style: chr2-39251224-T-C.
Other names: c.1108A>G, p.Ile370Val (NM_001382394.1); c.1129A>G, p.Ile377Val (NM_001382395.1); short protein forms I370V, I377V.
Identifiers: ClinVar variation 2125444 (VCV002125444.4), dbSNP rs2529042836, ClinGen allele CA346366902.